The following is an entry in ClinVar:

NM_053274.3(GLMN):c.586_589del (p.Glu196fs)

Gene: GLMN (glomulin, FKBP associated protein; minus strand). Cytogenetic location: 1p22.1.
Variant type: Deletion.
Coding change: c.586_589del on transcript NM_053274.3 (MANE Select); coding-DNA positions 586 to 589, 4 bases deleted (GAAA; older notation c.586_589delGAAA).
Protein change: p.Glu196fs; shifts the reading frame from glutamic acid 196.
Molecular consequence: frameshift variant. On other transcripts: non-coding transcript variant (1).
Genome position (GRCh38, 1-based): chr1:92,288,957-92,288,960, TTTC deleted on the plus strand (GAAA on the coding strand, the reverse complement: GLMN is on the minus strand); deleting any 4 consecutive bases within chr1:92,288,957-92,288,963 gives the same sequence; the c. name uses the placement nearest the transcript's 3' end. VCF-style (leftmost placement, unchanged base first): chr1-92288956-TTTTC-T. GRCh37 (hg19) VCF-style: chr1-92754513-TTTTC-T.
Other names: c.586_589del, p.Glu196fs (NM_001319683.2); short protein forms E196fs.
Identifiers: ClinVar variation 1330951 (VCV001330951.9), dbSNP rs925708240, ClinGen allele CA26741627.

ClinVar aggregate classification (germline): Pathogenic/Likely pathogenic. Review status: criteria provided, multiple submitters, no conflicts (2 of 4 stars). 3 submissions from 3 submitters: Pathogenic (1); Likely pathogenic (2). Last evaluated 2024-06-11.

Conditions:
GLMN-related disorders.
Glomuvenous malformation. Also called: GLOMANGIOMAS, MULTIPLE; GLOMUS TUMORS, MULTIPLE; Familial glomangioma; VENOUS MALFORMATIONS WITH GLOMUS CELLS. Identifiers: Orphanet 83454, MedGen C1841984, MONDO:0007672, OMIM 138000.

Submissions (3):

Fulgent Genetics
Classification: Likely pathogenic for Glomuvenous malformation. Last evaluated: 2024-06-11. Review status: criteria provided, single submitter. Criteria: ACMG Guidelines, 2015. Collection method: clinical testing. Allele origin: germline.

Blueprint Genetics
Classification: Likely pathogenic for GLMN-related disorders. Last evaluated: 2023-06-22. Review status: criteria provided, single submitter. Criteria: ACMG Guidelines, 2015. Collection method: clinical testing. Allele origin: germline. Affected: yes. Observed: 2 variant alleles.

ARUP Laboratories, Molecular Genetics and Genomics, ARUP Laboratories
Classification: Pathogenic for Glomuvenous malformation. Last evaluated: 2021-09-27. Review status: criteria provided, single submitter. Criteria: ARUP Molecular Germline Variant Investigation Process 2021. Collection method: clinical testing. Allele origin: germline.
Comment: The GLMN c.586_589delGAAA; p.Glu196ThrfsTer8 variant (rs925708240), to our knowledge, is not reported in the medical literature or gene specific databases. This variant is only observed on one allele in the Genome Aggregation Database, indicating it is not a common polymorphism. This variant causes a frameshift by deleting 4 nucleotides, so it is predicted to result in a truncated protein or mRNA subject to nonsense-mediated decay. Additionally, several downstream truncating variants have been described in individuals with glomuvenous malformations and are considered pathogenic (Brouillard 2013, Mattassi 2018). Based on available information, this variant is considered to be pathogenic. References: Brouillard P et al. Genotypes and phenotypes of 162 families with a glomulin mutation. Mol Syndromol. 2013 Apr;4(4):157-64. PMID: 23801931. Mattassi R et al. Variant discovery in patients with Mendelian vascular anomalies by next-generation sequencing and their use in patient clinical management. J Vasc Surg. 2018 Mar;67(3):922-932.e11. PMID: 28655553.